The following is an entry in ClinVar:

NM_000179.3(MSH6):c.2830A>G (p.Ile944Val)

Gene: MSH6 (mutS homolog 6; plus strand). Cytogenetic location: 2p16.3.
Variant type: single nucleotide variant.
Coding change: c.2830A>G on transcript NM_000179.3 (MANE Select); coding-DNA position 2830, A replaced by G.
Protein change: p.Ile944Val; replaces isoleucine 944 with valine.
Molecular consequence: missense variant.
Genome position (GRCh38, 1-based): chr2:47,800,813, A>G. VCF-style: chr2-47800813-A-G. GRCh37 (hg19) VCF-style: chr2-48027952-A-G.
Other names: c.2440A>G, p.Ile814Val (NM_001281492.2); c.1924A>G, p.Ile642Val (NM_001281493.2, NM_001281494.2); short protein forms I944V, I642V, I814V.
Identifiers: ClinVar variation 237168 (VCV000237168.33), dbSNP rs878853723, ClinGen allele CA10582071.
Genomic context (GRCh38, chr2:47,800,813, plus strand): 5'-ACTGGACTTATTACTCCCAAAGCAGGCTTTGACTCTGATTATGACCAAGCTCTTGCTGAC[A>G]TAAGAGAAAATGAACAGAGCCTCCTGGAATACCTAGAGAAACAGCGCAACAGAATTGGCT-3'
Protein context (NP_000170.1, residues 934-954): DSDYDQALAD[Ile944Val]RENEQSLLEY

ClinVar aggregate classification (germline): Conflicting classifications of pathogenicity. Review status: criteria provided, conflicting classifications (1 of 4 stars). 9 submissions from 9 submitters: Uncertain significance (7); Likely benign (1). 1 of the submissions does not count toward it. Last evaluated 2026-01-12.

Conditions:
MSH6-related disorder. Also called: MSH6-related condition; MSH6-Related disorders.
Lynch syndrome 5 (LYNCH5). Also called: Colorectal cancer, hereditary nonpolyposis, type 5; Hereditary non-polyposis colorectal cancer, type 5. Identifiers: Orphanet 144, MedGen C1833477, MONDO:0013710, OMIM 614350. Disease mechanism: loss of function.
Endometrial carcinoma. Also called: Endometrial carcinoma, somatic. Identifiers: MedGen C0476089, MONDO:0002447, OMIM 608089, HP:0012114.
Mismatch repair cancer syndrome 3. Identifiers: MedGen C5436807, MONDO:0030841, OMIM 619097.
Hereditary nonpolyposis colorectal neoplasms. Identifiers: MedGen C0009405, MeSH D003123.
Hereditary cancer-predisposing syndrome. Also called: Neoplastic Syndromes, Hereditary; Hereditary neoplastic syndrome; Hereditary Cancer Syndrome; Tumor predisposition. Identifiers: Orphanet 140162, MedGen C0027672, MeSH D009386, MONDO:0015356.
Lynch syndrome. Identifiers: Orphanet 144, MedGen C4552100, MONDO:0005835. Disease mechanism: loss of function.

Allele frequency attached by ClinVar (database versions not stated): gnomAD exomes 0.00001 and 0.00002; TOPMed 0.00001.
gnomAD v4.1: 29 of 1,614,170 alleles (0.0018%); highest among the groups gnomAD compares: Non-Finnish European, 0.0024%; no homozygotes.

Submissions (9):

Labcorp Genetics (formerly Invitae), Labcorp
Classification: Likely benign for Hereditary nonpolyposis colorectal neoplasms. Last evaluated: 2026-01-12. Review status: criteria provided, single submitter. Criteria: Invitae Variant Classification Sherloc (09022015). Collection method: clinical testing. Allele origin: germline.

PreventionGenetics, part of Exact Sciences
Classification: Uncertain significance for MSH6-related condition. Last evaluated: 2026-01-05. Review status: criteria provided, single submitter. Criteria: ACMG Guidelines, 2015. Collection method: clinical testing. Allele origin: germline.
Comment: The MSH6 c.2830A>G variant is predicted to result in the amino acid substitution p.Ile944Val. This variant has been reported as uncertain in an individual with breast cancer (Supplementary Data 1, Hu et al. 2022. PubMed ID: 35449176). This variant is reported in 0.0029% of alleles in individuals of Latino descent in gnomAD. In ClinVar, this variant has conflicting interpretations of likely benign and uncertain significance (Variation ID: 237168). At this time, the clinical significance of this variant is uncertain due to the absence of conclusive functional and genetic evidence.

Ambry Genetics
Classification: Uncertain significance for Hereditary cancer-predisposing syndrome. Last evaluated: 2024-04-08. Review status: criteria provided, single submitter. Criteria: Ambry Variant Classification Scheme 2023. Collection method: clinical testing. Allele origin: germline.
Comment: The p.I944V variant (also known as c.2830A>G), located in coding exon 4 of the MSH6 gene, results from an A to G substitution at nucleotide position 2830. The isoleucine at codon 944 is replaced by valine, an amino acid with highly similar properties. This amino acid position is highly conserved in available vertebrate species. In addition, the in silico prediction for this alteration is inconclusive. Based on the available evidence, the clinical significance of this variant remains unclear.

Department of Pathology and Laboratory Medicine, Sinai Health System
Classification: Uncertain significance for Endometrial carcinoma; Lynch syndrome 5; Mismatch repair cancer syndrome 3. Last evaluated: 2023-10-06. Review status: criteria provided, single submitter. Criteria: ACMG Guidelines, 2015. Collection method: clinical testing. Allele origin: germline. Affected: no.

Baylor Genetics
Classification: Uncertain significance for Endometrial carcinoma. Last evaluated: 2023-07-20. Review status: criteria provided, single submitter. Criteria: ACMG Guidelines, 2015. Collection method: clinical testing. Allele origin: unknown.

All of Us Research Program, National Institutes of Health
Classification: Uncertain significance for Lynch syndrome. Last evaluated: 2023-04-03. Review status: criteria provided, single submitter. Criteria: ACMG Guidelines, 2015. Collection method: clinical testing. Allele origin: germline. Inheritance: Autosomal dominant inheritance. Observed: 2 variant alleles, 2 heterozygotes.
Comment: This missense variant replaces isoleucine with valine at codon 944 of the MSH6 protein. Computational prediction tools and conservation analyses are inconclusive regarding the impact of this variant on the protein function. Splice site prediction tools suggest that this variant may impact RNA splicing. However, this prediction has not been confirmed in published RNA studies. To our knowledge, functional assays have not been performed for this variant nor has this variant been reported in individuals affected with hereditary cancer in the literature. This variant has been identified in 3/250456 chromosomes in the general population by the Genome Aggregation Database (gnomAD). Available evidence is insufficient to determine the role of this variant in disease conclusively. Therefore, this variant is classified as a Variant of Uncertain Significance.

This study involves interpretation of variants in research participants for the purpose of population health screening. Participant phenotype was not available at the time of variant classification. Additional details can be found in publication PMID: 35346344, PMCID: PMC8962531

Color Diagnostics, LLC DBA Color Health
Classification: Uncertain significance for Hereditary cancer-predisposing syndrome. Last evaluated: 2023-03-01. Review status: criteria provided, single submitter. Criteria: ACMG Guidelines, 2015. Collection method: clinical testing. Allele origin: germline.
Comment: This missense variant replaces isoleucine with valine at codon 944 of the MSH6 protein. Computational prediction is inconclusive regarding the impact of this variant on protein structure and function (internally defined REVEL score threshold 0.5 < inconclusive < 0.7, PMID: 27666373). To our knowledge, functional studies have not been reported for this variant. This variant has not been reported in individuals affected with MSH6-related disorders in the literature. This variant has been identified in 3/250456 chromosomes in the general population by the Genome Aggregation Database (gnomAD). The available evidence is insufficient to determine the role of this variant in disease conclusively. Therefore, this variant is classified as a Variant of Uncertain Significance.

GeneDx
Classification: Uncertain significance. Last evaluated: 2022-11-01. Review status: criteria provided, single submitter. Criteria: GeneDx Variant Classification Process June 2021. Collection method: clinical testing. Allele origin: germline. Affected: yes.
Comment: Not observed at a significant frequency in large population cohorts (gnomAD); In silico analysis supports that this missense variant does not alter protein structure/function; This variant is associated with the following publications: (PMID: 17531815, 21120944, 28944238)

Mayo Clinic Laboratories, Mayo Clinic
Classification: Uncertain significance. Review status: no assertion criteria provided. Collection method: clinical testing. Allele origin: unknown. Not counted in ClinVar's aggregate classification.